The following is an entry in ClinVar:

NM_024678.6(NARS2):c.922-21_922-19del

Gene: NARS2 (asparaginyl-tRNA synthetase 2, mitochondrial; minus strand). Cytogenetic location: 11q14.1.
Variant type: Deletion.
Coding change: c.922-21_922-19del on transcript NM_024678.6 (MANE Select); 21 bases into the intron before coding-DNA position 922 through 19 bases into the intron before coding-DNA position 922, 3 bases deleted (CTT; older notation c.922-21_922-19delCTT).
Molecular consequence: intron variant.
Genome position (GRCh38, 1-based): chr11:78,478,494-78,478,496, AAG deleted on the plus strand (CTT on the coding strand, the reverse complement: NARS2 is on the minus strand); deleting any 3 consecutive bases within chr11:78,478,494-78,478,498 gives the same sequence; the c. name uses the placement nearest the transcript's 3' end. VCF-style (leftmost placement, unchanged base first): chr11-78478493-AAAG-A. GRCh37 (hg19) VCF-style: chr11-78189539-AAAG-A.
Other names: c.241-21_241-19del (NM_001243251.2); c.922-21_922-19delCTT (NM_024678.6).
Identifiers: ClinVar variation 1690304 (VCV001690304.2), dbSNP rs1260094866, ClinGen allele CA600437541.

ClinVar aggregate classification (germline): Pathogenic (0 of 4 stars; one submission).

Conditions:
Mitochondrial disease. Also called: Mitochondrial disorder; Mitochondrial disorders. Identifiers: Orphanet 68380, MedGen C0751651, MeSH D028361, MONDO:0044970.

Submission:

Service de Génétique Médicale, Centre Hospitalier Universitaire de Nice-Université Côte d'Azur
Classification: Pathogenic for Mitochondrial disorder. Review status: no assertion criteria provided. Collection method: clinical testing. Allele origin: germline. Inheritance: Autosomal recessive inheritance. Affected: yes. Observed: 1 compound heterozygote.
Comment: The c.922-21_922-19del was in trans (compound heterozygosity) with the pathogenic c.822G>C variant (Vanlander et al., 2015). Functional analysis by RT-PCR showed that this deletion was causing aberrant splicing and led to skipping of the exon 9 in NARS2 mRNA in patient fibroblasts.